The following is an entry in ClinVar:

ClinVar aggregate classification (germline): Uncertain significance (1 of 4 stars; one submission).

Submission:

Laboratory for Molecular Medicine, Mass General Brigham Personalized Medicine
Classification: Uncertain significance. Last evaluated: 2018-04-06. Review status: criteria provided, single submitter. Criteria: LMM Criteria. Collection method: clinical testing. Allele origin: germline. Observed: 1 variant allele.
Comment: The c.47599-10C>G variant in TTN has not been previously reported in individuals with cardiomyopathy and was absent from large population studies. This variant is located in the 3' splice region. Computational tools do not suggest an impact to splicing. However, this information is not predictive enough to rule out pat hogenicity. In summary, the clinical significance of the c.47599-10C>G variant i s uncertain. ACMG/AMP Criteria applied: PM2; BP4.

NM_001267550.2(TTN):c.55303-10C>G

Genes: TTN (titin; minus strand), TTN-AS1 (TTN antisense RNA 1; plus strand). Cytogenetic location: 2q31.2.
Variant type: single nucleotide variant.
Coding change: c.55303-10C>G on transcript NM_001267550.2 (MANE Select); 10 bases into the intron before coding-DNA position 55303, C replaced by G.
Molecular consequence: intron variant.
Genome position (GRCh38, 1-based): chr2:178,601,797, G>C on the plus strand (C>G on the coding strand, the complement: TTN is on the minus strand). VCF-style: chr2-178601797-G-C. GRCh37 (hg19) VCF-style: chr2-179466524-G-C.
Other names: c.28108-10C>G (NM_003319.4); c.28684-10C>G (NM_133437.4); c.28483-10C>G (NM_133432.3); c.47599-10C>G (NM_133378.4); c.50380-10C>G (NM_001256850.1).
Identifiers: ClinVar variation 666940 (VCV000666940.4), dbSNP rs773047398, ClinGen allele CA915942196.